The following is an entry in ClinVar:

ClinVar aggregate classification (germline): Uncertain significance. Review status: criteria provided, multiple submitters, no conflicts (2 of 4 stars). 2 submissions from 2 submitters: Uncertain significance (2). Last evaluated 2024-11-26.

Allele frequency attached by ClinVar (database versions not stated): gnomAD 0.00001; gnomAD exomes 0.00001; TOPMed 0.00002.

Submissions (2):

Blueprint Genetics
Classification: Uncertain significance. Last evaluated: 2024-11-26. Review status: criteria provided, single submitter. Criteria: ACMG Guidelines, 2015. Collection method: clinical testing. Allele origin: germline.

Labcorp Genetics (formerly Invitae), Labcorp
Classification: Uncertain significance. Last evaluated: 2024-01-04. Review status: criteria provided, single submitter. Criteria: Invitae Variant Classification Sherloc (09022015). Collection method: clinical testing. Allele origin: germline.
Comment: This sequence change replaces serine, which is neutral and polar, with glycine, which is neutral and non-polar, at codon 514 of the MYO7A protein (p.Ser514Gly). This variant is present in population databases (no rsID available, gnomAD 0.002%). This variant has not been reported in the literature in individuals affected with MYO7A-related conditions. ClinVar contains an entry for this variant (Variation ID: 2072185). Advanced modeling of protein sequence and biophysical properties (such as structural, functional, and spatial information, amino acid conservation, physicochemical variation, residue mobility, and thermodynamic stability) performed at Invitae indicates that this missense variant is expected to disrupt MYO7A protein function with a positive predictive value of 80%. In summary, the available evidence is currently insufficient to determine the role of this variant in disease. Therefore, it has been classified as a Variant of Uncertain Significance.

NM_000260.4(MYO7A):c.1540A>G (p.Ser514Gly)

Gene: MYO7A (myosin VIIA; plus strand). Cytogenetic location: 11q13.5.
Variant type: single nucleotide variant.
Coding change: c.1540A>G on transcript NM_000260.4 (MANE Select); coding-DNA position 1540, A replaced by G.
Protein change: p.Ser514Gly; replaces serine 514 with glycine.
Molecular consequence: missense variant.
Genome position (GRCh38, 1-based): chr11:77,162,316, A>G. VCF-style: chr11-77162316-A-G. GRCh37 (hg19) VCF-style: chr11-76873362-A-G.
Other names: c.1540A>G, p.Ser514Gly (NM_001127180.2); c.1507A>G, p.Ser503Gly (NM_001369365.1); short protein forms S514G, S503G.
Identifiers: ClinVar variation 2072185 (VCV002072185.3), dbSNP rs1479535217, ClinGen allele CA381935803.
Genomic context (GRCh38, chr11:77,162,316, plus strand): 5'-GATGCCCTGGACATGATTGCCAACAAGCCCATGAACATCATCTCCCTCATCGATGAGGAG[A>G]GCAAGTTCCCCAAGGTGGGCCGGTCCTGCTGCCGCCTCCCAGGGTCTTGGGTGCGCACAG-3'
Protein context (NP_000251.3, residues 504-524): MNIISLIDEE[Ser514Gly]KFPKGTDTTM